The following is an entry in ClinVar:

NM_030962.4(SBF2):c.4666T>C (p.Phe1556Leu)

Genes: SBF2 (SET binding factor 2; minus strand), SBF2-AS1 (SBF2 antisense RNA 1; plus strand), LOC105369149 (uncharacterized LOC105369149; plus strand). Cytogenetic location: 11p15.4.
Variant type: single nucleotide variant.
Coding change: c.4666T>C on transcript NM_030962.4 (MANE Select); coding-DNA position 4666, T replaced by C.
Protein change: p.Phe1556Leu; replaces phenylalanine 1556 with leucine.
Molecular consequence: missense variant.
Genome position (GRCh38, 1-based): chr11:9,790,588, A>G on the plus strand (T>C on the coding strand, the complement: SBF2 is on the minus strand). VCF-style: chr11-9790588-A-G. GRCh37 (hg19) VCF-style: chr11-9812135-A-G.
Other names: c.4762T>C, p.Phe1588Leu (NM_001386339.1); c.4537T>C, p.Phe1513Leu (NM_001386342.1); short protein forms F1556L, F1513L, F1588L.
Identifiers: ClinVar variation 578429 (VCV000578429.14), dbSNP rs189911105, ClinGen allele CA5880928.

ClinVar aggregate classification (germline): Uncertain significance. Review status: criteria provided, multiple submitters, no conflicts (2 of 4 stars). 3 submissions from 3 submitters: Uncertain significance (3). Last evaluated 2024-08-27.

Conditions:
Charcot-Marie-Tooth disease type 4. Also called: Charcot-Marie-Tooth disease, type IV; Charcot-Marie-Tooth, Type 4. Identifiers: Orphanet 64749, MedGen C4082197, MONDO:0018995.

Allele frequency attached by ClinVar (database versions not stated): TOPMed below 0.00001; gnomAD 0.00001; ExAC 0.00002; gnomAD exomes 0.00002; ESP Exome Variant Server 0.00008; 1000 Genomes Project 30x 0.00016; 1000 Genomes Project 0.00020.
gnomAD v4.1: 25 of 1,585,944 alleles (0.0016%); highest among the groups gnomAD compares: Non-Finnish European, 0.0021%; no homozygotes.

Submissions (3):

GeneDx
Classification: Uncertain significance. Last evaluated: 2024-08-27. Review status: criteria provided, single submitter. Criteria: GeneDx Variant Classification Process June 2021. Collection method: clinical testing. Allele origin: germline. Affected: yes.
Comment: Not observed at significant frequency in large population cohorts (gnomAD); In silico analysis supports that this missense variant has a deleterious effect on protein structure/function; Has not been previously published as pathogenic or benign to our knowledge

Labcorp Genetics (formerly Invitae), Labcorp
Classification: Uncertain significance for Charcot-Marie-Tooth disease type 4. Last evaluated: 2022-04-02. Review status: criteria provided, single submitter. Criteria: Invitae Variant Classification Sherloc (09022015). Collection method: clinical testing. Allele origin: germline.
Comment: This sequence change replaces phenylalanine, which is neutral and non-polar, with leucine, which is neutral and non-polar, at codon 1556 of the SBF2 protein (p.Phe1556Leu). This variant is present in population databases (rs189911105, gnomAD 0.003%). This variant has not been reported in the literature in individuals affected with SBF2-related conditions. ClinVar contains an entry for this variant (Variation ID: 578429). Algorithms developed to predict the effect of missense changes on protein structure and function are either unavailable or do not agree on the potential impact of this missense change (SIFT: "Deleterious"; PolyPhen-2: "Benign"; Align-GVGD: "Class C0"). In summary, the available evidence is currently insufficient to determine the role of this variant in disease. Therefore, it has been classified as a Variant of Uncertain Significance.

ARUP Laboratories, Molecular Genetics and Genomics, ARUP Laboratories
Classification: Uncertain significance. Last evaluated: 2018-05-07. Review status: criteria provided, single submitter. Criteria: ARUP Molecular Germline Variant Investigation Process. Collection method: clinical testing. Allele origin: germline.
Comment: The SBF2 c.4666T>C; p.Phe1556Leu variant (rs189911105), to our knowledge, is not reported in the medical literature, gene specific variation databases, nor has it been previously identified by our laboratory. This variant is listed in the genome Aggregation Database (gnomAD) with an overall population frequency of 0.002% (identified on 4 out of 242,768 chromosomes). The phenylalanine at position 1556 is moderately conserved, considering 11 species, and computational analyses of the effects of the p.Phe1556Leu variant on protein structure and function do not predict a deleterious effect (SIFT: tolerated, PolyPhen-2: benign). Based on the available information, the clinical significance of the p.Phe1556Leu variant cannot be determined with certainty.